The following is an entry in ClinVar:

NM_002878.4(RAD51D):c.791T>C (p.Leu264Pro)

Genes: RAD51L3-RFFL (RAD51L3-RFFL readthrough; minus strand), RAD51D (RAD51 paralog D; minus strand). Cytogenetic location: 17q12.
Variant type: single nucleotide variant.
Coding change: c.791T>C on transcript NM_002878.4 (MANE Select); coding-DNA position 791, T replaced by C.
Protein change: p.Leu264Pro; replaces leucine 264 with proline.
Molecular consequence: missense variant. On other transcripts: non-coding transcript variant (3).
Genome position (GRCh38, 1-based): chr17:35,101,313, A>G on the plus strand (T>C on the coding strand, the complement: RAD51D is on the minus strand). VCF-style: chr17-35101313-A-G. GRCh37 (hg19) VCF-style: chr17-33428332-A-G.
Other names: c.851T>C, p.Leu284Pro (NM_001142571.2); c.455T>C, p.Leu152Pro (NM_133629.3); short protein forms L264P, L152P, L284P.
Identifiers: ClinVar variation 630555 (VCV000630555.17), dbSNP rs1567724947, ClinGen allele CA399086825.

ClinVar aggregate classification (germline): Uncertain significance. Review status: criteria provided, multiple submitters, no conflicts (2 of 4 stars). 4 submissions from 4 submitters: Uncertain significance (4). Last evaluated 2025-12-20.

Conditions:
Hereditary cancer-predisposing syndrome. Also called: Tumor predisposition; Neoplastic Syndromes, Hereditary; Hereditary neoplastic syndrome; Hereditary Cancer Syndrome. Identifiers: Orphanet 140162, MedGen C0027672, MeSH D009386, MONDO:0015356.
Breast-ovarian cancer, familial, susceptibility to, 4. Identifiers: Orphanet 145, MedGen C3280345, MONDO:0013669, OMIM 614291.

Allele frequency attached by ClinVar (database versions not stated): gnomAD exomes below 0.00001; TOPMed 0.00001.
gnomAD v4.1: 1 of 1,614,144 alleles (0.000062%); highest among the groups gnomAD compares: Non-Finnish European, 0.000085%; no homozygotes.

Submissions (4):

Labcorp Genetics (formerly Invitae), Labcorp
Classification: Uncertain significance for Breast-ovarian cancer, familial, susceptibility to, 4. Last evaluated: 2025-12-20. Review status: criteria provided, single submitter. Criteria: Invitae Variant Classification Sherloc (09022015). Collection method: clinical testing. Allele origin: germline.
Comment: This sequence change replaces leucine, which is neutral and non-polar, with proline, which is neutral and non-polar, at codon 264 of the RAD51D protein (p.Leu264Pro). This variant is not present in population databases (gnomAD no frequency). This variant has not been reported in the literature in individuals affected with RAD51D-related conditions. ClinVar contains an entry for this variant (Variation ID: 630555). Invitae Evidence Modeling of protein sequence and biophysical properties (such as structural, functional, and spatial information, amino acid conservation, physicochemical variation, residue mobility, and thermodynamic stability) indicates that this missense variant is expected to disrupt RAD51D protein function with a positive predictive value of 80%. In summary, the available evidence is currently insufficient to determine the role of this variant in disease. Therefore, it has been classified as a Variant of Uncertain Significance.

Ambry Genetics
Classification: Uncertain significance for Hereditary cancer-predisposing syndrome. Last evaluated: 2023-07-17. Review status: criteria provided, single submitter. Criteria: Ambry Variant Classification Scheme 2023. Collection method: clinical testing. Allele origin: germline.
Comment: The p.L264P variant (also known as c.791T>C), located in coding exon 9 of the RAD51D gene, results from a T to C substitution at nucleotide position 791. The leucine at codon 264 is replaced by proline, an amino acid with similar properties. This amino acid position is highly conserved in available vertebrate species. In addition, this alteration is predicted to be deleterious by in silico analysis. Since supporting evidence is limited at this time, the clinical significance of this alteration remains unclear.

MGZ Medical Genetics Center
Classification: Uncertain significance for Breast-ovarian cancer, familial, susceptibility to, 4. Last evaluated: 2022-08-01. Review status: criteria provided, single submitter. Criteria: ACMG Guidelines, 2015. Collection method: clinical testing. Allele origin: germline. Affected: yes. Observed: 4 variant alleles.
Comment: ACMG criteria applied: PM2_SUP, PP3

Color Diagnostics, LLC DBA Color Health
Classification: Uncertain significance for Hereditary cancer-predisposing syndrome. Last evaluated: 2018-12-13. Review status: criteria provided, single submitter. Criteria: ACMG Guidelines, 2015. Collection method: clinical testing. Allele origin: germline.